The following is an entry in ClinVar:

ClinVar aggregate classification (germline): Pathogenic (1 of 4 stars; one submission).

Conditions:
Bloom syndrome (BLM). Also called: Bloom-Torre-Machacek syndrome. Identifiers: Orphanet 125, MedGen C0005859, MONDO:0008876, OMIM 210900.

Submission:

Labcorp Genetics (formerly Invitae), Labcorp
Classification: Pathogenic for Bloom syndrome. Last evaluated: 2021-08-07. Review status: criteria provided, single submitter. Criteria: Invitae Variant Classification Sherloc (09022015). Collection method: clinical testing. Allele origin: germline.
Comment: This sequence change creates a premature translational stop signal (p.Gly804Aspfs*11) in the BLM gene. It is expected to result in an absent or disrupted protein product. Loss-of-function variants in BLM are known to be pathogenic (PMID: 17407155). This variant is not present in population databases (ExAC no frequency). This variant has not been reported in the literature in individuals affected with BLM-related conditions. For these reasons, this variant has been classified as Pathogenic.

Literature cited by the submitters: PubMed 17407155.

NM_000057.4(BLM):c.2411del (p.Gly804fs)

Gene: BLM (BLM RecQ like helicase; plus strand). Cytogenetic location: 15q26.1.
Variant type: Deletion.
Coding change: c.2411del on transcript NM_000057.4 (MANE Select); coding-DNA position 2411, one base deleted (G; older notation c.2411delG).
Protein change: p.Gly804fs; shifts the reading frame from glycine 804.
Molecular consequence: frameshift variant.
Genome position (GRCh38, 1-based): chr15:90,769,442, G deleted; the last of 4 consecutive G bases (chr15:90,769,439-90,769,442); deleting any one gives the same sequence. VCF-style (leftmost placement, unchanged base first): chr15-90769438-TG-T. GRCh37 (hg19) VCF-style: chr15-91312668-TG-T.
Other names: c.2411del, p.Gly804fs (NM_001287247.2, NM_001287246.2); c.1286del, p.Gly429fs (NM_001287248.2); short protein forms G804fs, G429fs.
Identifiers: ClinVar variation 1374003 (VCV001374003.6), dbSNP rs2151166065, ClinGen allele CA2573151456.